The following is an entry in ClinVar:

ClinVar aggregate classification (germline): Uncertain significance (1 of 4 stars; one submission).

Allele frequency attached by ClinVar (database versions not stated): TOPMed below 0.00001; gnomAD 0.00001; gnomAD exomes 0.00001.

Submission:

Labcorp Genetics (formerly Invitae), Labcorp
Classification: Uncertain significance. Last evaluated: 2022-11-01. Review status: criteria provided, single submitter. Criteria: Invitae Variant Classification Sherloc (09022015). Collection method: clinical testing. Allele origin: germline.
Comment: This sequence change replaces serine, which is neutral and polar, with leucine, which is neutral and non-polar, at codon 1453 of the CACNA1G protein (p.Ser1453Leu). In summary, the available evidence is currently insufficient to determine the role of this variant in disease. Therefore, it has been classified as a Variant of Uncertain Significance. Algorithms developed to predict the effect of missense changes on protein structure and function (SIFT, PolyPhen-2, Align-GVGD) all suggest that this variant is likely to be disruptive. This variant has not been reported in the literature in individuals affected with CACNA1G-related conditions. This variant is present in population databases (no rsID available, gnomAD 0.003%).

NM_018896.5(CACNA1G):c.4358C>T (p.Ser1453Leu)

Gene: CACNA1G (calcium voltage-gated channel subunit alpha1 G; plus strand). Cytogenetic location: 17q21.33.
Variant type: single nucleotide variant.
Coding change: c.4358C>T on transcript NM_018896.5 (MANE Select); coding-DNA position 4358, C replaced by T.
Protein change: p.Ser1453Leu; replaces serine 1453 with leucine.
Molecular consequence: missense variant. On other transcripts: non-coding transcript variant (5).
Genome position (GRCh38, 1-based): chr17:50,605,959, C>T. VCF-style: chr17-50605959-C-T. GRCh37 (hg19) VCF-style: chr17-48683320-C-T.
Other names: c.4358C>T, p.Ser1453Leu (NM_001256324.2, NM_001256325.2, NM_001256326.2 and 16 more transcripts); c.4289C>T, p.Ser1430Leu (NM_001256332.2, NM_198376.3, NM_198379.3 and 5 more transcripts); short protein forms S1430L, S1453L.
Identifiers: ClinVar variation 1931804 (VCV001931804.5), dbSNP rs1280975738, ClinGen allele CA400256777.